The following is an entry in ClinVar:

NM_001077418.3(TMEM231):c.139+40G>C

Gene: TMEM231 (transmembrane protein 231; minus strand). Cytogenetic location: 16q23.1.
Variant type: single nucleotide variant.
Coding change: c.139+40G>C on transcript NM_001077418.3 (MANE Select); 40 bases into the intron after coding-DNA position 139, G replaced by C.
Molecular consequence: intron variant. On other transcripts: missense variant (1).
Genome position (GRCh38, 1-based): chr16:75,556,031, C>G on the plus strand (G>C on the coding strand, the complement: TMEM231 is on the minus strand). VCF-style: chr16-75556031-C-G. GRCh37 (hg19) VCF-style: chr16-75589929-C-G.
Other names: c.241G>C, p.Ala81Pro (NM_001077416.2); short protein forms A81P.
Identifiers: ClinVar variation 3044192 (VCV003044192.2), dbSNP rs1284424218, ClinGen allele CA396809859.

ClinVar aggregate classification (germline): Uncertain significance (0 of 4 stars; one submission).

Conditions:
TMEM231-related disorder. Also called: TMEM231-related condition.

Allele frequency attached by ClinVar (database versions not stated): gnomAD exomes below 0.00001; TOPMed 0.00001.

Submission:

PreventionGenetics, part of Exact Sciences
Classification: Uncertain significance for TMEM231-related condition. Last evaluated: 2023-12-06. Review status: no assertion criteria provided. Collection method: clinical testing. Allele origin: germline.
Comment: The TMEM231 c.241G>C variant is predicted to result in the amino acid substitution p.Ala81Pro. To our knowledge, this variant has not been reported in the literature. This variant is reported in 0.0080% of alleles in individuals of East Asian descent in gnomAD. At this time, the clinical significance of this variant is uncertain due to the absence of conclusive functional and genetic evidence.